The following is an entry in ClinVar:

ClinVar aggregate classification (germline): Pathogenic (1 of 4 stars; one submission).

Conditions:
Alstrom syndrome (ALMS). Identifiers: Orphanet 64, MedGen C0268425, MONDO:0008763, OMIM 203800.

Submission:

Labcorp Genetics (formerly Invitae), Labcorp
Classification: Pathogenic for Alstrom syndrome. Last evaluated: 2019-09-15. Review status: criteria provided, single submitter. Criteria: Invitae Variant Classification Sherloc (09022015). Collection method: clinical testing. Allele origin: germline.
Comment: For these reasons, this variant has been classified as Pathogenic. Loss-of-function variants in ALMS1 are known to be pathogenic (PMID: 17594715). This variant has not been reported in the literature in individuals with ALMS1-related conditions. This variant is not present in population databases (ExAC no frequency). This sequence change creates a premature translational stop signal (p.Glu1042Thrfs*6) in the ALMS1 gene. It is expected to result in an absent or disrupted protein product.

Literature cited by the submitters: PubMed 17594715.

NM_001378454.1(ALMS1):c.3121_3125del (p.Glu1041fs)

Gene: ALMS1 (ALMS1 centrosome and basal body associated protein; plus strand). Cytogenetic location: 2p13.1.
Variant type: Deletion.
Coding change: c.3121_3125del on transcript NM_001378454.1 (MANE Select); coding-DNA positions 3121 to 3125, 5 bases deleted (GAGAT; older notation c.3121_3125delGAGAT).
Protein change: p.Glu1041fs; shifts the reading frame from glutamic acid 1041.
Molecular consequence: frameshift variant.
Genome position (GRCh38, 1-based): chr2:73,449,648-73,449,652, GAGAT deleted; deleting any 5 consecutive bases within chr2:73,449,647-73,449,652 gives the same sequence; the c. name uses the placement nearest the transcript's 3' end. VCF-style (leftmost placement, unchanged base first): chr2-73449646-CTGAGA-C. GRCh37 (hg19) VCF-style: chr2-73676773-CTGAGA-C.
Other names: c.3124_3128del, p.Glu1042fs (NM_015120.4); short protein forms E1041fs, E1042fs.
Identifiers: ClinVar variation 954705 (VCV000954705.7), dbSNP rs1671885188, ClinGen allele CA1139657109.
Genomic context (GRCh38, chr2:73,449,646, plus strand): 5'-GTTATGCAACTGAAAAGGCTCTGAAAGTTTCAACTGGCCCTGGACCAGCTGACCAGAAGA[CTGAGA>C]TACCAGCAGTACAGTCTAGTTCTTACCCACAGAGGGAGAAGCCTAGTGTTTTGTACCCAC-3'